The following is an entry in ClinVar:

ClinVar aggregate classification (germline): Uncertain significance (1 of 4 stars; one submission).

Conditions:
Autism, susceptibility to, X-linked 2 (AUTSX2). Also called: Autism susceptibility, X-linked 2. Identifiers: MedGen C1845539, MONDO:0010341, OMIM 300495.

Submission:

Neuberg Centre For Genomic Medicine, NCGM
Classification: Uncertain significance for Autism, susceptibility to, X-linked 2. Review status: criteria provided, single submitter. Criteria: ACMG Guidelines, 2015. Collection method: clinical testing. Allele origin: germline. Inheritance: X-linked inheritance. Affected: yes.
Comment: The observed missense c.910G>A(p.Val304Ile) variant in NLGN4X gene has not been reported previously as a pathogenic variant nor as a benign variant, to our knowledge. This variant is absent in gnomAD Exomes. The amino acid Val at position 304 is changed to a Ile changing protein sequence and it might alter its composition and physico-chemical properties. The amino acid change p.Val304Ile in NLGN4X is predicted as conserved by GERP++ and PhyloP across 100 vertebrates. For these reasons, this variant has been classified as Uncertain Significance.

NM_181332.3(NLGN4X):c.910G>A (p.Val304Ile)

Gene: NLGN4X (neuroligin 4 X-linked; minus strand). Cytogenetic location: Xp22.32.
Variant type: single nucleotide variant.
Coding change: c.910G>A on transcript NM_181332.3 (MANE Select); coding-DNA position 910, G replaced by A.
Protein change: p.Val304Ile; replaces valine 304 with isoleucine.
Molecular consequence: missense variant.
Genome position (GRCh38, 1-based): chrX:5,903,768, C>T on the plus strand (G>A on the coding strand, the complement: NLGN4X is on the minus strand). VCF-style: chrX-5903768-C-T. GRCh37 (hg19) VCF-style: chrX-5821809-C-T.
Other names: c.910G>A, p.Val304Ile (NM_001282145.2, NM_001282146.2, NM_020742.4); short protein forms V304I.
Identifiers: ClinVar variation 3242010 (VCV003242010.1), dbSNP rs2518449820.